The following is an entry in ClinVar:

ClinVar aggregate classification (germline): Uncertain significance (1 of 4 stars; one submission).

Conditions:
Autosomal recessive limb-girdle muscular dystrophy type 2L (LGMDR12). Also called: MUSCULAR DYSTROPHY, LIMB-GIRDLE, AUTOSOMAL RECESSIVE 12; Limb-Girdle Muscular Dystrophy R12 Anoctamin-5-Related (LGMD-R12); Limb-girdle muscular dystrophy, type 2L. Identifiers: Orphanet 206549, MedGen C1969785, MONDO:0012652, OMIM 611307.
Gnathodiaphyseal dysplasia (GDD). Also called: GNATHODIAPHYSEAL SCLEROSIS; OSTEOGENESIS IMPERFECTA WITH UNUSUAL SKELETAL LESIONS. Identifiers: Orphanet 53697, MedGen C1833736, MONDO:0008151, OMIM 166260.

Allele frequency attached by ClinVar (database versions not stated): gnomAD exomes below 0.00001 and 0.00003; gnomAD 0.00001; TOPMed 0.00001.
gnomAD v4.1: 9 of 1,612,810 alleles (0.00056%); highest among the groups gnomAD compares: East Asian, 0.018%; no homozygotes.

Submission:

Labcorp Genetics (formerly Invitae), Labcorp
Classification: Uncertain significance for Autosomal recessive limb-girdle muscular dystrophy type 2L; Gnathodiaphyseal dysplasia. Last evaluated: 2023-06-07. Review status: criteria provided, single submitter. Criteria: Invitae Variant Classification Sherloc (09022015). Collection method: clinical testing. Allele origin: germline.
Comment: In summary, the available evidence is currently insufficient to determine the role of this variant in disease. Therefore, it has been classified as a Variant of Uncertain Significance. Variants that disrupt the consensus splice site are a relatively common cause of aberrant splicing (PMID: 17576681, 9536098). Algorithms developed to predict the effect of sequence changes on RNA splicing suggest that this variant may create or strengthen a splice site. ClinVar contains an entry for this variant (Variation ID: 1002332). This variant has not been reported in the literature in individuals affected with ANO5-related conditions. This variant is present in population databases (no rsID available, gnomAD 0.04%). This sequence change falls in intron 13 of the ANO5 gene. It does not directly change the encoded amino acid sequence of the ANO5 protein. It affects a nucleotide within the consensus splice site.

Literature cited by the submitters: PubMed 17576681; PubMed 9536098.

NM_213599.3(ANO5):c.1332+5A>G

Gene: ANO5 (anoctamin 5; plus strand). Cytogenetic location: 11p14.3.
Variant type: single nucleotide variant.
Coding change: c.1332+5A>G on transcript NM_213599.3 (MANE Select); 5 bases into the intron after coding-DNA position 1332, A replaced by G.
Molecular consequence: intron variant.
Genome position (GRCh38, 1-based): chr11:22,255,527, A>G. VCF-style: chr11-22255527-A-G. GRCh37 (hg19) VCF-style: chr11-22277073-A-G.
Other names: c.1329+5A>G (NM_001142649.2).
Identifiers: ClinVar variation 1002332 (VCV001002332.7), dbSNP rs1287723428, ClinGen allele CA597911357.